The following is an entry in ClinVar:

ClinVar aggregate classification (germline): Benign/Likely benign. Review status: criteria provided, multiple submitters, no conflicts (2 of 4 stars). 14 submissions from 14 submitters: Benign (10); Likely benign (1). 3 of the submissions do not count toward it. Last evaluated 2026-05-08.

Conditions:
Connective tissue disorder. Also called: Connective tissue disease. Identifiers: MedGen C0009782, MONDO:0003900.
Epiphyseal dysplasia, multiple, 3 (EDM3). Also called: COL9A3-Related Multiple Epiphyseal Dysplasia; Epiphyseal dysplasia, multiple, 3, with or without myopathy. Identifiers: MedGen C1832998, MONDO:0010964, OMIM 600969.

Allele frequency attached by ClinVar (database versions not stated): 1000 Genomes Project 0.09006; 1000 Genomes Project 30x 0.09213; gnomAD exomes 0.10486 and 0.14855; TOPMed 0.11986; gnomAD 0.12620 and 0.12823; ExAC 0.12722.
gnomAD v4.1: 203,475 of 1,399,514 alleles (15%); highest among the groups gnomAD compares: Non-Finnish European, 16%; 15,911 homozygotes.

Submissions (14):

Women's Health and Genetics/Laboratory Corporation of America, LabCorp
Classification: Likely benign. Last evaluated: 2026-05-08. Review status: criteria provided, single submitter. Criteria: LabCorp Variant Classification Summary - May 2015. Collection method: clinical testing. Allele origin: germline.

Labcorp Genetics (formerly Invitae), Labcorp
Classification: Benign. Last evaluated: 2026-02-04. Review status: criteria provided, single submitter. Criteria: Invitae Variant Classification Sherloc (09022015). Collection method: clinical testing. Allele origin: germline.

Blueprint Genetics
Classification: Benign. Last evaluated: 2024-11-28. Review status: criteria provided, single submitter. Criteria: ACMG Guidelines, 2015. Collection method: clinical testing. Allele origin: germline.

Genome Diagnostics Laboratory, The Hospital for Sick Children
Classification: Benign for Connective tissue disorder. Last evaluated: 2022-07-18. Review status: criteria provided, single submitter. Criteria: ACMG Guidelines, 2015. Collection method: clinical testing. Allele origin: germline.

Mayo Clinic Laboratories, Mayo Clinic
Classification: Benign. Last evaluated: 2020-12-09. Review status: criteria provided, single submitter. Criteria: ACMG Guidelines, 2015. Collection method: clinical testing. Allele origin: germline. Observed: 44 variant alleles.

Mendelics
Classification: Benign for Epiphyseal dysplasia, multiple, 3. Last evaluated: 2019-05-28. Review status: criteria provided, single submitter. Criteria: Mendelics Assertion Criteria 2017. Collection method: clinical testing. Allele origin: unknown.

GeneDx
Classification: Benign. Last evaluated: 2018-06-05. Review status: criteria provided, single submitter. Criteria: GeneDx Variant Classification (06012015). Collection method: clinical testing. Allele origin: germline. Affected: yes.
Comment: This variant is considered likely benign or benign based on one or more of the following criteria: it is a conservative change, it occurs at a poorly conserved position in the protein, it is predicted to be benign by multiple in silico algorithms, and/or has population frequency not consistent with disease.

Eurofins Ntd Llc (ga)
Classification: Benign. Last evaluated: 2017-06-05. Review status: criteria provided, single submitter. Criteria: EGL Classification Definitions 2015. Collection method: clinical testing. Allele origin: germline. Observed: 25 variant alleles, 20 heterozygotes, 5 homozygotes.

Laboratory for Molecular Medicine, Mass General Brigham Personalized Medicine
Classification: Benign. Last evaluated: 2016-03-28. Review status: criteria provided, single submitter. Criteria: LMM Criteria. Collection method: clinical testing. Allele origin: germline.
Comment: Variant identified in a genome or exome case(s) and assessed due to predicted null impact of the variant or pathogenic assertions in the literature or databases. Disclaimer: This variant has not undergone full assessment. The following are preliminary notes: Frequency in 1000Genomes: 272/2178=12.48%

Breakthrough Genomics
Classification: Benign. Review status: criteria provided, single submitter. Criteria: ACMG Guidelines, 2015. Collection method: not provided. Allele origin: germline. Inheritance: Autosomal recessive inheritance. Affected: yes.

PreventionGenetics, part of Exact Sciences
Classification: Benign. Review status: criteria provided, single submitter. Criteria: ACMG Guidelines, 2015. Collection method: clinical testing. Allele origin: germline.

Clinical Genetics DNA and cytogenetics Diagnostics Lab, Erasmus MC, Erasmus Medical Center
Classification: Benign. Review status: no assertion criteria provided. Collection method: clinical testing. Allele origin: germline. Affected: yes. Study: VKGL Data-share Consensus. Not counted in ClinVar's aggregate classification.

Genome Diagnostics Laboratory, Amsterdam University Medical Center
Classification: Benign. Review status: no assertion criteria provided. Collection method: clinical testing. Allele origin: germline. Affected: yes. Study: VKGL Data-share Consensus. Not counted in ClinVar's aggregate classification.

Joint Genome Diagnostic Labs from Nijmegen and Maastricht, Radboudumc and MUMC+
Classification: Benign. Review status: no assertion criteria provided. Collection method: clinical testing. Allele origin: germline. Affected: yes. Study: VKGL Data-share Consensus. Not counted in ClinVar's aggregate classification.

NM_001853.4(COL9A3):c.50G>A (p.Gly17Glu)

Gene: COL9A3 (collagen type IX alpha 3 chain; plus strand). Cytogenetic location: 20q13.33.
Variant type: single nucleotide variant.
Coding change: c.50G>A on transcript NM_001853.4 (MANE Select); coding-DNA position 50, G replaced by A.
Protein change: p.Gly17Glu; replaces glycine 17 with glutamic acid.
Molecular consequence: missense variant.
Genome position (GRCh38, 1-based): chr20:62,817,114, G>A. VCF-style: chr20-62817114-G-A. GRCh37 (hg19) VCF-style: chr20-61448466-G-A.
Other names: short protein forms G17E.
Identifiers: ClinVar variation 193218 (VCV000193218.30), dbSNP rs2294984, ClinGen allele CA200414.